The following is an entry in ClinVar:

ClinVar aggregate classification (germline): Benign (1 of 4 stars; one submission).

Conditions:
POLD1-related polyposis and colorectal cancer syndrome (CRCS10). Also called: Colorectal cancer 10; COLORECTAL CANCER, SUSCEPTIBILITY TO, ON CHROMOSOME 19q; Colorectal cancer, susceptibility to, 10. Identifiers: Orphanet 220460, MedGen C2675481, MONDO:0012953, OMIM 612591.

Submission:

Myriad Genetics, Inc.
Classification: Benign for POLD1-related polyposis and colorectal cancer syndrome. Last evaluated: 2025-02-06. Review status: criteria provided, single submitter. Criteria: Myriad Autosomal Dominant, Autosomal Recessive and X-Linked Classification Criteria (2023). Collection method: clinical testing. Allele origin: unknown.
Comment: This variant is considered benign. This variant is intronic and is not expected to impact mRNA splicing.

NM_002691.4(POLD1):c.1384-28CAGCCCAC[3]

Gene: POLD1 (DNA polymerase delta 1, catalytic subunit; plus strand). Cytogenetic location: 19q13.33.
Variant type: Microsatellite.
Coding change: c.1384-28CAGCCCAC[3] on transcript NM_002691.4 (MANE Select); three copies in a row of the 8-base unit CAGCCCAC starting at c.1384-28.
Molecular consequence: intron variant.
Genome position: GRCh38 VCF-style: chr19-50406378-G-GCAGCCCAC. GRCh37 (hg19) VCF-style: chr19-50909635-G-GCAGCCCAC.
Other names: c.1384-28CAGCCCAC[3] (NM_001256849.1, NM_001308632.1).
Identifiers: ClinVar variation 3904264 (VCV003904264.1).